The following is an entry in ClinVar:

NM_001145809.2(MYH14):c.798C>A (p.Asn266Lys)

Gene: MYH14 (myosin heavy chain 14; plus strand). Cytogenetic location: 19q13.33.
Variant type: single nucleotide variant.
Coding change: c.798C>A on transcript NM_001145809.2 (MANE Select); coding-DNA position 798, C replaced by A.
Protein change: p.Asn266Lys; replaces asparagine 266 with lysine.
Molecular consequence: missense variant.
Genome position (GRCh38, 1-based): chr19:50,225,665, C>A. VCF-style: chr19-50225665-C-A. GRCh37 (hg19) VCF-style: chr19-50728922-C-A.
Other names: c.798C>A, p.Asn266Lys (NM_001077186.2); c.774C>A, p.Asn258Lys (NM_024729.4); short protein forms N258K, N266K.
Identifiers: ClinVar variation 3253280 (VCV003253280.1), dbSNP rs747041198.

ClinVar aggregate classification (germline): Uncertain significance (1 of 4 stars; one submission).

Submission:

GeneDx
Classification: Uncertain significance. Last evaluated: 2023-11-18. Review status: criteria provided, single submitter. Criteria: GeneDx Variant Classification Process June 2021. Collection method: clinical testing. Allele origin: germline. Affected: yes.
Comment: Not observed at significant frequency in large population cohorts (gnomAD); In silico analysis supports that this missense variant has a deleterious effect on protein structure/function; Has not been previously published as pathogenic or benign to our knowledge